The following is an entry in ClinVar:

ClinVar aggregate classification (germline): Likely benign (0 of 4 stars; one submission).

Conditions:
SERAC1-related disorder. Also called: SERAC1-related disorders; SERAC1-related condition.

Allele frequency attached by ClinVar (database versions not stated): gnomAD exomes below 0.00001; ExAC 0.00001.

Submission:

PreventionGenetics, part of Exact Sciences
Classification: Likely benign for SERAC1-related condition. Last evaluated: 2023-01-27. Review status: no assertion criteria provided. Collection method: clinical testing. Allele origin: germline.
Comment: This variant is classified as likely benign based on ACMG/AMP sequence variant interpretation guidelines (Richards et al. 2015 PMID: 25741868, with internal and published modifications).

NM_032861.4(SERAC1):c.1308+8A>G

Gene: SERAC1 (serine active site containing 1; minus strand). Cytogenetic location: 6q25.3.
Variant type: single nucleotide variant.
Coding change: c.1308+8A>G on transcript NM_032861.4 (MANE Select); 8 bases into the intron after coding-DNA position 1308, A replaced by G.
Molecular consequence: intron variant.
Genome position (GRCh38, 1-based): chr6:158,119,021, T>C on the plus strand (A>G on the coding strand, the complement: SERAC1 is on the minus strand). VCF-style: chr6-158119021-T-C. GRCh37 (hg19) VCF-style: chr6-158540053-T-C.
Identifiers: ClinVar variation 3045880 (VCV003045880.2), dbSNP rs751071716, ClinGen allele CA4071145.